The following is an entry in ClinVar:

ClinVar aggregate classification (germline): Uncertain significance (1 of 4 stars; one submission).

Allele frequency attached by ClinVar (database versions not stated): TOPMed below 0.00001.

Submission:

Labcorp Genetics (formerly Invitae), Labcorp
Classification: Uncertain significance. Last evaluated: 2021-09-14. Review status: criteria provided, single submitter. Criteria: Invitae Variant Classification Sherloc (09022015). Collection method: clinical testing. Allele origin: germline.
Comment: This sequence change replaces lysine with threonine at codon 1470 of the COL11A2 protein (p.Lys1470Thr). The lysine residue is highly conserved and there is a moderate physicochemical difference between lysine and threonine. This variant is not present in population databases (ExAC no frequency). This variant has not been reported in the literature in individuals affected with COL11A2-related conditions. Advanced modeling of protein sequence and biophysical properties (such as structural, functional, and spatial information, amino acid conservation, physicochemical variation, residue mobility, and thermodynamic stability) performed at Invitae indicates that this missense variant is not expected to disrupt COL11A2 protein function. Algorithms developed to predict the effect of sequence changes on RNA splicing suggest that this variant may create or strengthen a splice site. In summary, the available evidence is currently insufficient to determine the role of this variant in disease. Therefore, it has been classified as a Variant of Uncertain Significance.

NM_080680.3(COL11A2):c.4409A>C (p.Lys1470Thr)

Gene: COL11A2 (collagen type XI alpha 2 chain; minus strand). Cytogenetic location: 6p21.32.
Variant type: single nucleotide variant.
Coding change: c.4409A>C on transcript NM_080680.3 (MANE Select); coding-DNA position 4409, A replaced by C.
Protein change: p.Lys1470Thr; replaces lysine 1470 with threonine.
Molecular consequence: missense variant.
Genome position (GRCh38, 1-based): chr6:33,166,190, T>G on the plus strand (A>C on the coding strand, the complement: COL11A2 is on the minus strand). VCF-style: chr6-33166190-T-G. GRCh37 (hg19) VCF-style: chr6-33133967-T-G.
Other names: c.4088A>C, p.Lys1363Thr (NM_080679.3); c.4151A>C, p.Lys1384Thr (NM_080681.3); short protein forms K1384T, K1470T, K1363T.
Identifiers: ClinVar variation 1518937 (VCV001518937.3), dbSNP rs897406698, ClinGen allele CA363619794.